The following is an entry in ClinVar:

ClinVar aggregate classification (germline): Likely benign. Review status: criteria provided, single submitter (1 of 4 stars). 2 submissions from 2 submitters: Likely benign (1). 1 of the submissions does not count toward it. Last evaluated 2023-08-05.

Conditions:
TRAIP-related disorder. Also called: TRAIP-related condition.

Allele frequency attached by ClinVar (database versions not stated): ExAC 0.00002; gnomAD 0.00002; TOPMed 0.00002.
gnomAD v4.1: 24 of 1,614,168 alleles (0.0015%); highest among the groups gnomAD compares: Middle Eastern, 0.016%; no homozygotes.

Submissions (2):

Labcorp Genetics (formerly Invitae), Labcorp
Classification: Likely benign. Last evaluated: 2023-08-05. Review status: criteria provided, single submitter. Criteria: Invitae Variant Classification Sherloc (09022015). Collection method: clinical testing. Allele origin: germline.

PreventionGenetics, part of Exact Sciences
Classification: Likely benign for TRAIP-related condition. Last evaluated: 2019-10-29. Review status: no assertion criteria provided. Collection method: clinical testing. Allele origin: germline. Not counted in ClinVar's aggregate classification.
Comment: This variant is classified as likely benign based on ACMG/AMP sequence variant interpretation guidelines (Richards et al. 2015 PMID: 25741868, with internal and published modifications).

NM_005879.3(TRAIP):c.579G>A (p.Ala193=)

Gene: TRAIP (TRAF interacting protein; minus strand). Cytogenetic location: 3p21.31.
Variant type: single nucleotide variant.
Coding change: c.579G>A on transcript NM_005879.3 (MANE Select); coding-DNA position 579, G replaced by A.
Protein change: p.Ala193=; no amino-acid change (alanine 193 retained).
Molecular consequence: synonymous variant.
Genome position (GRCh38, 1-based): chr3:49,841,864, C>T on the plus strand (G>A on the coding strand, the complement: TRAIP is on the minus strand). VCF-style: chr3-49841864-C-T. GRCh37 (hg19) VCF-style: chr3-49879297-C-T.
Other names: c.579G>A (NM_005879.2).
Identifiers: ClinVar variation 2788790 (VCV002788790.5), dbSNP rs774388805, ClinGen allele CA2407770.
Genomic context (GRCh38, chr3:49,841,864, plus strand): 5'-TGAGAGGGGCCACAGTACGCACTTCTTGAGAGACACACAGTACACAGCCAGCTGTTCCAC[C>T]GCTGACTGTCCCACACCCATGTCTCGGATCATCTCCTCCACCTCAGGGCGCTGGCTCTGG-3'
Protein context (NP_005870.2, residues 183-203): MIRDMGVGQS[Ala193=]VEQLAVYCVS